The following is an entry in ClinVar:

NM_014780.5(CUL7):c.4502C>T (p.Ala1501Val)

Gene: CUL7 (cullin 7; minus strand). Cytogenetic location: 6p21.1.
Variant type: single nucleotide variant.
Coding change: c.4502C>T on transcript NM_014780.5 (MANE Select); coding-DNA position 4502, C replaced by T.
Protein change: p.Ala1501Val; replaces alanine 1501 with valine.
Molecular consequence: missense variant.
Genome position (GRCh38, 1-based): chr6:43,038,631, G>A on the plus strand (C>T on the coding strand, the complement: CUL7 is on the minus strand). VCF-style: chr6-43038631-G-A. GRCh37 (hg19) VCF-style: chr6-43006369-G-A.
Other names: c.4598C>T, p.Ala1533Val (NM_001168370.2, NM_001374872.1); c.4502C>T, p.Ala1501Val (NM_001374873.1); c.4499C>T, p.Ala1500Val (NM_001374874.1); short protein forms A1501V, A1500V, A1533V.
Identifiers: ClinVar variation 1521620 (VCV001521620.6), dbSNP rs150715659, ClinGen allele CA3813187.

ClinVar aggregate classification (germline): Uncertain significance (1 of 4 stars; one submission).

Allele frequency attached by ClinVar (database versions not stated): ExAC 0.00001; gnomAD 0.00001; gnomAD exomes 0.00001 and 0.00005; TOPMed 0.00002; ESP Exome Variant Server 0.00008.

Submission:

Labcorp Genetics (formerly Invitae), Labcorp
Classification: Uncertain significance. Last evaluated: 2022-11-29. Review status: criteria provided, single submitter. Criteria: Invitae Variant Classification Sherloc (09022015). Collection method: clinical testing. Allele origin: germline.
Comment: Advanced modeling of protein sequence and biophysical properties (such as structural, functional, and spatial information, amino acid conservation, physicochemical variation, residue mobility, and thermodynamic stability) performed at Invitae indicates that this missense variant is not expected to disrupt CUL7 protein function. Algorithms developed to predict the effect of sequence changes on RNA splicing suggest that this variant may create or strengthen a splice site. In summary, the available evidence is currently insufficient to determine the role of this variant in disease. Therefore, it has been classified as a Variant of Uncertain Significance. ClinVar contains an entry for this variant (Variation ID: 1521620). This sequence change replaces alanine, which is neutral and non-polar, with valine, which is neutral and non-polar, at codon 1501 of the CUL7 protein (p.Ala1501Val). This variant is present in population databases (rs150715659, gnomAD 0.004%). This variant has not been reported in the literature in individuals affected with CUL7-related conditions.